The following is an entry in ClinVar:

NM_018051.5(DYNC2I1):c.2905G>A (p.Val969Met)

Gene: DYNC2I1 (dynein 2 intermediate chain 1; plus strand). Cytogenetic location: 7q36.3.
Variant type: single nucleotide variant.
Coding change: c.2905G>A on transcript NM_018051.5 (MANE Select); coding-DNA position 2905, G replaced by A.
Protein change: p.Val969Met; replaces valine 969 with methionine.
Molecular consequence: missense variant.
Genome position (GRCh38, 1-based): chr7:158,942,051, G>A. VCF-style: chr7-158942051-G-A. GRCh37 (hg19) VCF-style: chr7-158734742-G-A.
Other names: c.2767G>A, p.Val923Met (NM_001350914.2); c.2332G>A, p.Val778Met (NM_001350915.2); c.1444G>A, p.Val482Met (NM_001350916.2); c.1657G>A, p.Val553Met (NM_001350917.2, NM_001350918.2); c.2905G>A (NM_018051.4); short protein forms V482M, V553M, V778M, V923M, V969M.
Identifiers: ClinVar variation 1680729 (VCV001680729.9), dbSNP rs377727599, ClinGen allele CA4595137.

ClinVar aggregate classification (germline): Uncertain significance. Review status: criteria provided, multiple submitters, no conflicts (2 of 4 stars). 2 submissions from 2 submitters: Uncertain significance (2). Last evaluated 2024-09-11.

Conditions:
Inborn genetic diseases. Identifiers: MedGen C0950123, MeSH D030342.
Short-rib thoracic dysplasia 8 with or without polydactyly (SRTD8). Also called: SHORT-RIB THORACIC DYSPLASIA 8 WITH POLYDACTYLY. Identifiers: Orphanet 93271, MedGen C3809691, MONDO:0014214, OMIM 615503.

Allele frequency attached by ClinVar (database versions not stated): ExAC 0.00002; gnomAD exomes 0.00004 and 0.00011; ESP Exome Variant Server 0.00008; gnomAD 0.00008 and 0.00009; TOPMed 0.00008.

Submissions (2):

Labcorp Genetics (formerly Invitae), Labcorp
Classification: Uncertain significance for Short-rib thoracic dysplasia 8 with or without polydactyly. Last evaluated: 2024-09-11. Review status: criteria provided, single submitter. Criteria: Invitae Variant Classification Sherloc (09022015). Collection method: clinical testing. Allele origin: germline.
Comment: This sequence change replaces valine, which is neutral and non-polar, with methionine, which is neutral and non-polar, at codon 969 of the WDR60 protein (p.Val969Met). This variant is present in population databases (rs377727599, gnomAD 0.01%). This variant has not been reported in the literature in individuals affected with WDR60-related conditions. ClinVar contains an entry for this variant (Variation ID: 1680729). An algorithm developed to predict the effect of missense changes on protein structure and function outputs the following: PolyPhen-2: "Possibly Damaging". The methionine amino acid residue is found in multiple mammalian species, which suggests that this missense change does not adversely affect protein function. In summary, the available evidence is currently insufficient to determine the role of this variant in disease. Therefore, it has been classified as a Variant of Uncertain Significance.

Ambry Genetics
Classification: Uncertain significance for Inborn genetic diseases. Last evaluated: 2024-02-06. Review status: criteria provided, single submitter. Criteria: Ambry Variant Classification Scheme 2023. Collection method: clinical testing. Allele origin: germline.